The following is an entry in ClinVar:

ClinVar aggregate classification (germline): Uncertain significance. Review status: criteria provided, multiple submitters, no conflicts (2 of 4 stars). 2 submissions from 2 submitters: Uncertain significance (2). Last evaluated 2026-07-09.

Conditions:
CEP290-related disorder. Also called: CEP290-related condition; CEP290-related disorders. Identifiers: MedGen CN239314.
Meckel-Gruber syndrome. Also called: DYSENCEPHALIA SPLANCHNOCYSTICA; GRUBER SYNDROME; Dysencephalia splachnocystica. Identifiers: Orphanet 564, MedGen C0265215, MONDO:0018921.
Nephronophthisis. Also called: Juvenile Nephronophthisis. Identifiers: Orphanet 655, MedGen C0687120, MONDO:0019005, HP:0000090.
Joubert syndrome. Also called: Familial aplasia of the vermis; JOUBERT-BOLTSHAUSER SYNDROME. Identifiers: Orphanet 475, MedGen C5979921, MONDO:0018772.

Allele frequency attached by ClinVar (database versions not stated): gnomAD exomes 0.00001; TOPMed 0.00001; gnomAD 0.00002.
gnomAD v4.1: 11 of 1,597,458 alleles (0.00069%); highest among the groups gnomAD compares: African/African-American, 0.0027%; no homozygotes.

Submissions (2):

PreventionGenetics, part of Exact Sciences
Classification: Uncertain significance for CEP290-related condition. Last evaluated: 2026-07-09. Review status: criteria provided, single submitter. Criteria: ACMG Guidelines, 2015. Collection method: clinical testing. Allele origin: germline.
Comment: The CEP290 c.4267C>T variant is predicted to result in the amino acid substitution p.Arg1423Cys. This variant has been reported as uncertain in a child with morbid obesity (Minniakhmetov et al. 2025. PubMed ID: 40149731). This variant is reported in 0.011% of alleles in individuals of East Asian descent in gnomAD. At this time, the clinical significance of this variant is uncertain due to the absence of conclusive functional and genetic evidence.

Labcorp Genetics (formerly Invitae), Labcorp
Classification: Uncertain significance for Joubert syndrome; Meckel-Gruber syndrome; Nephronophthisis. Last evaluated: 2022-01-16. Review status: criteria provided, single submitter. Criteria: Invitae Variant Classification Sherloc (09022015). Collection method: clinical testing. Allele origin: germline.
Comment: This sequence change replaces arginine, which is basic and polar, with cysteine, which is neutral and slightly polar, at codon 1423 of the CEP290 protein (p.Arg1423Cys). The frequency data for this variant in the population databases is considered unreliable, as metrics indicate poor data quality at this position in the gnomAD database. This variant has not been reported in the literature in individuals affected with CEP290-related conditions. Algorithms developed to predict the effect of missense changes on protein structure and function output the following: SIFT: "Deleterious"; PolyPhen-2: "Benign"; Align-GVGD: "Class C0". The cysteine amino acid residue is found in multiple mammalian species, which suggests that this missense change does not adversely affect protein function. In summary, the available evidence is currently insufficient to determine the role of this variant in disease. Therefore, it has been classified as a Variant of Uncertain Significance.

NM_025114.4(CEP290):c.4267C>T (p.Arg1423Cys)

Gene: CEP290 (centrosomal protein 290; minus strand). Cytogenetic location: 12q21.32.
Variant type: single nucleotide variant.
Coding change: c.4267C>T on transcript NM_025114.4 (MANE Select); coding-DNA position 4267, C replaced by T.
Protein change: p.Arg1423Cys; replaces arginine 1423 with cysteine.
Molecular consequence: missense variant.
Genome position (GRCh38, 1-based): chr12:88,086,426, G>A on the plus strand (C>T on the coding strand, the complement: CEP290 is on the minus strand). VCF-style: chr12-88086426-G-A. GRCh37 (hg19) VCF-style: chr12-88480203-G-A.
Other names: c.4267C>T (NM_025114.3); short protein forms R1423C.
Identifiers: ClinVar variation 1928892 (VCV001928892.3), dbSNP rs1353027764, ClinGen allele CA385997278.